The following is an entry in ClinVar:

NM_002890.3(RASA1):c.1577del (p.Ser526fs)

Genes: CCNH (cyclin H; minus strand), RASA1 (RAS p21 protein activator 1; plus strand). Cytogenetic location: 5q14.3.
Variant type: Deletion.
Coding change: c.1577del on transcript NM_002890.3 (MANE Select); coding-DNA position 1577, one base deleted (C; older notation c.1577delC).
Protein change: p.Ser526fs; shifts the reading frame from serine 526.
Molecular consequence: frameshift variant. On other transcripts: intron variant (1).
Genome position (GRCh38, 1-based): chr5:87,363,471, C deleted. VCF-style (leftmost placement, unchanged base first): chr5-87363470-TC-T. GRCh37 (hg19) VCF-style: chr5-86659287-TC-T.
Other names: c.1046del, p.Ser349fs (NM_022650.3); c.933+31573del (NM_001364075.2); short protein forms S349fs, S526fs.
Identifiers: ClinVar variation 2696409 (VCV002696409.3), dbSNP rs2531304891, ClinGen allele CA2697546315.
Genomic context (GRCh38, chr5:87,363,470, plus strand): 5'-TATTTTGAAAGCGAAAAACGAGCTACCAAACCAAAAGGATTAATAGATCTCAGTGTATGT[TC>T]TGTCTATGTCGTTCATGATAGTCTCTTTGGCAGGTAAGAGACTGGTTTCCTATTTTTCTT-3'

ClinVar aggregate classification (germline): Pathogenic (1 of 4 stars; one submission).

Conditions:
Capillary malformation-arteriovenous malformation syndrome. Also called: Capillary malformation-arteriovenous malformation. Identifiers: Orphanet 137667, MedGen C1842180, MONDO:0012016.

Submission:

Labcorp Genetics (formerly Invitae), Labcorp
Classification: Pathogenic for Capillary malformation-arteriovenous malformation syndrome. Last evaluated: 2024-01-17. Review status: criteria provided, single submitter. Criteria: Invitae Variant Classification Sherloc (09022015). Collection method: clinical testing. Allele origin: germline.
Comment: This sequence change creates a premature translational stop signal (p.Ser526Leufs*18) in the RASA1 gene. It is expected to result in an absent or disrupted protein product. Loss-of-function variants in RASA1 are known to be pathogenic (PMID: 24038909). This variant is not present in population databases (gnomAD no frequency). This variant has not been reported in the literature in individuals affected with RASA1-related conditions. For these reasons, this variant has been classified as Pathogenic.

Literature cited by the submitters: PubMed 24038909.